The following is an entry in ClinVar:

NM_005529.7(HSPG2):c.559C>T (p.Arg187Ter)

Gene: HSPG2 (heparan sulfate proteoglycan 2; minus strand). Cytogenetic location: 1p36.12.
Variant type: single nucleotide variant.
Coding change: c.559C>T on transcript NM_005529.7 (MANE Select); coding-DNA position 559, C replaced by T.
Protein change: p.Arg187Ter; replaces arginine 187 with a stop codon.
Molecular consequence: nonsense.
Genome position (GRCh38, 1-based): chr1:21,889,996, G>A on the plus strand (C>T on the coding strand, the complement: HSPG2 is on the minus strand). VCF-style: chr1-21889996-G-A. GRCh37 (hg19) VCF-style: chr1-22216489-G-A.
Other names: c.559C>T, p.Arg187Ter (NM_001291860.2); short protein forms R187*.
Identifiers: ClinVar variation 3766971 (VCV003766971.1).
Genomic context (GRCh38, chr1:21,889,996, plus strand): 5'-CCACGAGTCTGGAGGAGGCGATCCCAGACACCAGGATAGGCTCACCTGTGCCCAGGCGTC[G>A]GAACTGGAATCCCTGGGGAGAGGTGACGTAGGAGGCCACAGAGCCGCTGGAGATGACCCT-3'

ClinVar aggregate classification (germline): Pathogenic (1 of 4 stars; one submission).

gnomAD v4.1: 5 of 1,613,914 alleles (0.00031%); highest among the groups gnomAD compares: Non-Finnish European, 0.00042%; no homozygotes.

Submission:

ARUP Laboratories, Molecular Genetics and Genomics, ARUP Laboratories
Classification: Pathogenic. Last evaluated: 2024-11-11. Review status: criteria provided, single submitter. Criteria: ARUP Molecular Germline Variant Investigation Process 2024. Collection method: clinical testing. Allele origin: germline.
Comment: The HSPG2 c.559C>T; p.Arg187Ter variant (rs1332584154) is reported in the literature in one individual who also carry a pathogenic variant in trans affected with nonlethal Rolland-Desbuquois dyssegmental dysplasia (Farshadyeganeh 2024). This variant is only observed on one allele in the Genome Aggregation Database (v2.1.1), indicating it is not a common polymorphism. This variant induces an early termination codon and is predicted to result in a truncated protein or mRNA subject to nonsense-mediated decay. Based on available information, this variant is considered to be pathogenic. References: Farshadyeganeh P et al. Dyssegmental dysplasia Rolland-Desbuquois type is caused by pathogenic variants in HSPG2 - a founder haplotype shared in five patients. J Hum Genet. 2024 Jun;69(6):235-244. PMID: 38424183.